The following is an entry in ClinVar:

NM_012213.2(MLYCD):c.-36G>T

Genes: MLYCD (malonyl-CoA decarboxylase; plus strand), LOC130059554 (ATAC-STARR-seq lymphoblastoid silent region 7769; plus strand). Cytogenetic location: 16q23.3.
Variant type: single nucleotide variant.
Coding change: c.-36G>T on transcript NM_012213.2; 36 bases upstream of the start codon, G replaced by T.
Genome position (GRCh38, 1-based): chr16:83,899,109, G>T. VCF-style: chr16-83899109-G-T. GRCh37 (hg19) VCF-style: chr16-83932714-G-T.
Identifiers: ClinVar variation 391664 (VCV000391664.3), dbSNP rs770528158, ClinGen allele CA8197165.

ClinVar aggregate classification (germline): Likely benign (1 of 4 stars; one submission).

Allele frequency attached by ClinVar (database versions not stated): gnomAD exomes 0.00080; TOPMed 0.00005; ExAC below 0.00001; gnomAD 0.00004.

Submission:

GeneDx
Classification: Likely benign. Last evaluated: 2016-12-23. Review status: criteria provided, single submitter. Criteria: GeneDx Variant Classification (06012015). Collection method: clinical testing. Allele origin: germline. Affected: yes.
Comment: This variant is considered likely benign or benign based on one or more of the following criteria: it is a conservative change, it occurs at a poorly conserved position in the protein, it is predicted to be benign by multiple in silico algorithms, and/or has population frequency not consistent with disease.